The following is an entry in ClinVar:

ClinVar aggregate classification (germline): Likely pathogenic (1 of 4 stars; one submission).

Conditions:
Dysostosis multiplex, Ain-Naz type. Identifiers: MedGen C5444223, MONDO:0859156, OMIM 619345.

Submission:

3billion
Classification: Likely pathogenic for Dysostosis multiplex, Ain-Naz type. Last evaluated: 2025-08-11. Review status: criteria provided, single submitter. Criteria: ACMG Guidelines, 2015. Collection method: clinical testing. Allele origin: germline. Affected: yes.
Comment: The variant is not observed in the gnomAD v4.1.0 dataset. Predicted Consequence/Location: Stop-gained (nonsense): predicted to result in a loss or disruption of normal protein function through protein truncation. Multiple pathogenic variants are reported in the predicted truncated region. Therefore, this variant is classified as Likely pathogenic according to the recommendation of ACMG/AMP guideline.

NM_001098621.4(LYSET):c.226C>T (p.Gln76Ter)

Gene: LYSET (lysosomal enzyme trafficking factor; plus strand). Cytogenetic location: 14q32.12.
Variant type: single nucleotide variant.
Coding change: c.226C>T on transcript NM_001098621.4 (MANE Select); coding-DNA position 226, C replaced by T.
Protein change: p.Gln76Ter; replaces glutamine 76 with a stop codon.
Molecular consequence: nonsense.
Genome position (GRCh38, 1-based): chr14:93,186,405, C>T. VCF-style: chr14-93186405-C-T. GRCh37 (hg19) VCF-style: chr14-93652750-C-T.
Other names: c.130C>T, p.Gln44Ter (NM_015676.3); short protein forms Q44*, Q76*.
Identifiers: ClinVar variation 4856041 (VCV004856041.1).
Genomic context (GRCh38, chr14:93,186,405, plus strand): 5'-TTTTACTATGTTTTTGAAATCAGTGAGACTTACAACAGGCTGGCCTTGGAACACATTCAA[C>T]AGCACCCTGAGGAGCCCCTTGAAGGAACCACATGGACACACTCCTTGAAAGCTCAATTAC-3'